The following is an entry in ClinVar:

NM_000273.3(GPR143):c.442del (p.Ser148fs)

Gene: GPR143 (G protein-coupled receptor 143; minus strand). Cytogenetic location: Xp22.2.
Variant type: Deletion.
Coding change: c.442del on transcript NM_000273.3 (MANE Select); coding-DNA position 442, one base deleted (T; older notation c.442delT).
Protein change: p.Ser148fs; shifts the reading frame from serine 148.
Molecular consequence: frameshift variant.
Genome position (GRCh38, 1-based): chrX:9,759,345, A deleted on the plus strand (T on the coding strand, the reverse complement: GPR143 is on the minus strand). VCF-style (leftmost placement, unchanged base first): chrX-9759344-GA-G. GRCh37 (hg19) VCF-style: chrX-9727384-GA-G.
Other names: short protein forms S148fs.
Identifiers: ClinVar variation 1451867 (VCV001451867.6), dbSNP rs2146699547, ClinGen allele CA2573159671.

ClinVar aggregate classification (germline): Pathogenic (1 of 4 stars; one submission).

Submission:

Labcorp Genetics (formerly Invitae), Labcorp
Classification: Pathogenic. Last evaluated: 2021-04-06. Review status: criteria provided, single submitter. Criteria: Invitae Variant Classification Sherloc (09022015). Collection method: clinical testing. Allele origin: germline.
Comment: For these reasons, this variant has been classified as Pathogenic. This variant has not been reported in the literature in individuals with GPR143-related conditions. This variant is not present in population databases (ExAC no frequency). This sequence change creates a premature translational stop signal (p.Ser148Argfs*4) in the GPR143 gene. It is expected to result in an absent or disrupted protein product. Loss-of-function variants in GPR143 are known to be pathogenic (PMID: 15965158, 18978956, 19390656, 21541274, 26160353, 28211458).

Literature cited by the submitters: PubMed 15965158; PubMed 18978956; PubMed 19390656; PubMed 21541274; PubMed 26160353; PubMed 28211458.